The following is an entry in ClinVar:

ClinVar aggregate classification (germline): Conflicting classifications of pathogenicity. Review status: criteria provided, conflicting classifications (1 of 4 stars). 4 submissions from 4 submitters: Uncertain significance (3); Likely benign (1). Last evaluated 2025-05-27.

Conditions:
Costello syndrome (CSTLO). Also called: FACIOCUTANEOSKELETAL SYNDROME; HRAS-Related Costello Syndrome; FCS SYNDROME. Identifiers: Orphanet 3071, MedGen C0587248, MONDO:0009026, OMIM 218040.
HRAS-related disorder. Also called: HRAS-related condition.

Submissions (4):

Women's Health and Genetics/Laboratory Corporation of America, LabCorp
Classification: Uncertain significance. Last evaluated: 2025-05-27. Review status: criteria provided, single submitter. Criteria: LabCorp Variant Classification Summary - May 2015. Collection method: clinical testing. Allele origin: germline.
Comment: Variant summary: HRAS c.386A>G (p.Gln129Arg) results in a conservative amino acid change in the encoded protein sequence. Algorithms developed to predict the effect of missense changes on protein structure and function are either unavailable or do not agree on the potential impact of this missense change. The variant was absent in 251226 control chromosomes. The available data on variant occurrences in the general population are insufficient to allow any conclusion about variant significance. To our knowledge, no occurrence of c.386A>G in individuals affected with Costello Syndrome and no experimental evidence demonstrating its impact on protein function have been reported. ClinVar contains an entry for this variant (Variation ID: 1028366). Based on the evidence outlined above, the variant was classified as uncertain significance.

Daryl Scott Lab, Baylor College of Medicine
Classification: Uncertain significance for HRAS-related disorder. Last evaluated: 2024-01-01. Review status: criteria provided, single submitter. Criteria: ACMG Guidelines, 2015. Collection method: clinical testing. Allele origin: unknown. Observed: 1 heterozygote.
Comment: PM2, PP3

Labcorp Genetics (formerly Invitae), Labcorp
Classification: Likely benign for Costello syndrome. Last evaluated: 2022-04-08. Review status: criteria provided, single submitter. Criteria: Invitae Variant Classification Sherloc (09022015). Collection method: clinical testing. Allele origin: germline.

Baylor Genetics
Classification: Uncertain significance for Costello syndrome. Last evaluated: 2020-08-05. Review status: criteria provided, single submitter. Criteria: ACMG Guidelines, 2015. Collection method: clinical testing. Allele origin: unknown. Affected: yes.
Comment: This variant was determined to be of uncertain significance according to ACMG Guidelines, 2015 [PMID:25741868].

NM_005343.4(HRAS):c.386A>G (p.Gln129Arg)

Genes: HRAS (HRas proto-oncogene, GTPase; minus strand), LRRC56 (leucine rich repeat containing 56; plus strand). Cytogenetic location: 11p15.5.
Variant type: single nucleotide variant.
Coding change: c.386A>G on transcript NM_005343.4 (MANE Select); coding-DNA position 386, A replaced by G.
Protein change: p.Gln129Arg; replaces glutamine 129 with arginine.
Molecular consequence: missense variant.
Genome position (GRCh38, 1-based): chr11:533,517, T>C on the plus strand (A>G on the coding strand, the complement: HRAS is on the minus strand). VCF-style: chr11-533517-T-C. GRCh37 (hg19) VCF-style: chr11-533517-T-C.
Other names: c.386A>G, p.Gln129Arg (NM_001130442.3, NM_176795.5); c.67A>G, p.Arg23Gly (NM_001318054.2); short protein forms Q129R, R23G.
Identifiers: ClinVar variation 1028366 (VCV001028366.9), dbSNP rs1851242529, ClinGen allele CA378923040.
Genomic context (GRCh38, chr11:533,517, plus strand): 5'-CGGGTCTTGGCCGAGGTCTCGATGTAGGGGATGCCGTAGCTTCGGGCGAGGTCCTGAGCC[T>C]GCCGAGATTCCACAGTGCGTGCAGCCAGGTCACACTTGTTCCCCACCAGCACCATGGGCA-3'
Protein context (NP_005334.1, residues 119-139): DLAARTVESR[Gln129Arg]AQDLARSYGI